The following is an entry in ClinVar:

NM_024642.5(GALNT12):c.770T>C (p.Ile257Thr)

Gene: GALNT12 (polypeptide N-acetylgalactosaminyltransferase 12; plus strand). Cytogenetic location: 9q22.33.
Variant type: single nucleotide variant.
Coding change: c.770T>C on transcript NM_024642.5 (MANE Select); coding-DNA position 770, T replaced by C.
Protein change: p.Ile257Thr; replaces isoleucine 257 with threonine.
Molecular consequence: missense variant.
Genome position (GRCh38, 1-based): chr9:98,831,810, T>C. VCF-style: chr9-98831810-T-C. GRCh37 (hg19) VCF-style: chr9-101594092-T-C.
Other names: short protein forms I257T.
Identifiers: ClinVar variation 1760263 (VCV001760263.3), dbSNP rs747019868, ClinGen allele CA5154054.

ClinVar aggregate classification (germline): Uncertain significance (1 of 4 stars; one submission).

Allele frequency attached by ClinVar (database versions not stated): gnomAD exomes below 0.00001; ExAC 0.00001.
gnomAD v4.1: 1 of 1,614,222 alleles (0.000062%); highest among the groups gnomAD compares: East Asian, 0.0022%; no homozygotes.

Submission:

Ambry Genetics
Classification: Uncertain significance. Last evaluated: 2025-04-13. Review status: criteria provided, single submitter. Criteria: Ambry Variant Classification Scheme 2023. Collection method: clinical testing. Allele origin: germline.
Comment: The p.I257T variant (also known as c.770T>C), located in coding exon 4 of the GALNT12 gene, results from a T to C substitution at nucleotide position 770. The isoleucine at codon 257 is replaced by threonine, an amino acid with similar properties. This amino acid position is highly conserved in available vertebrate species. In addition, this alteration is predicted to be deleterious by in silico analysis. Since supporting evidence is limited at this time, the clinical significance of this alteration remains unclear.